The following is an entry in ClinVar:

ClinVar aggregate classification (germline): Uncertain significance (1 of 4 stars; one submission).

Conditions:
Alstrom syndrome (ALMS). Identifiers: Orphanet 64, MedGen C0268425, MONDO:0008763, OMIM 203800.

Allele frequency attached by ClinVar (database versions not stated): gnomAD exomes 0.00001.
gnomAD v4.1: 3 of 1,614,080 alleles (0.00019%); highest among the groups gnomAD compares: Non-Finnish European, 0.00025%; no homozygotes.

Submission:

Labcorp Genetics (formerly Invitae), Labcorp
Classification: Uncertain significance for Alstrom syndrome. Last evaluated: 2021-11-02. Review status: criteria provided, single submitter. Criteria: Invitae Variant Classification Sherloc (09022015). Collection method: clinical testing. Allele origin: germline.
Comment: This sequence change replaces lysine, which is basic and polar, with glutamic acid, which is acidic and polar, at codon 2370 of the ALMS1 protein (p.Lys2370Glu). This variant is not present in population databases (gnomAD no frequency). This variant has not been reported in the literature in individuals affected with ALMS1-related conditions. Experimental studies and prediction algorithms are not available or were not evaluated, and the functional significance of this variant is currently unknown. In summary, the available evidence is currently insufficient to determine the role of this variant in disease. Therefore, it has been classified as a Variant of Uncertain Significance.

NM_001378454.1(ALMS1):c.7105A>G (p.Lys2369Glu)

Gene: ALMS1 (ALMS1 centrosome and basal body associated protein; plus strand). Cytogenetic location: 2p13.1.
Variant type: single nucleotide variant.
Coding change: c.7105A>G on transcript NM_001378454.1 (MANE Select); coding-DNA position 7105, A replaced by G.
Protein change: p.Lys2369Glu; replaces lysine 2369 with glutamic acid.
Molecular consequence: missense variant.
Genome position (GRCh38, 1-based): chr2:73,453,632, A>G. VCF-style: chr2-73453632-A-G. GRCh37 (hg19) VCF-style: chr2-73680759-A-G.
Other names: c.7108A>G, p.Lys2370Glu (NM_015120.4); short protein forms K2370E, K2369E.
Identifiers: ClinVar variation 1479023 (VCV001479023.3), dbSNP rs2103792593, ClinGen allele CA347291035.